The following is an entry in ClinVar:

NM_000342.4(SLC4A1):c.*1568G>A

Gene: SLC4A1 (solute carrier family 4 member 1 (Diego blood group); minus strand). Cytogenetic location: 17q21.31.
Variant type: single nucleotide variant.
Coding change: c.*1568G>A on transcript NM_000342.4 (MANE Select); 1568 bases downstream of the stop codon, G replaced by A.
Molecular consequence: 3 prime UTR variant.
Genome position (GRCh38, 1-based): chr17:44,248,890, C>T on the plus strand (G>A on the coding strand, the complement: SLC4A1 is on the minus strand). VCF-style: chr17-44248890-C-T. GRCh37 (hg19) VCF-style: chr17-42326258-C-T.
Identifiers: ClinVar variation 323481 (VCV000323481.6), dbSNP rs5033, ClinGen allele CA10649378.

ClinVar aggregate classification (germline): Benign. Review status: criteria provided, multiple submitters, no conflicts (2 of 4 stars). 4 submissions from 2 submitters: Benign (4). Last evaluated 2018-01-12.

Conditions:
Hereditary spherocytosis type 4. Also called: SLC4A1-Related Spherocytosis. Identifiers: Orphanet 822, MedGen C2675212, MONDO:0012981, OMIM 612653.
Autosomal dominant distal renal tubular acidosis (DRTA1). Also called: RTA, CLASSIC TYPE; RTA, DISTAL TYPE, AUTOSOMAL DOMINANT; RTA, GRADIENT TYPE; Renal Tubular Acidosis, Type I; RENAL TUBULAR ACIDOSIS, DISTAL, 1. Identifiers: Orphanet 93608, MedGen CN280572, MONDO:0008368, OMIM 179800.
Hemolytic anemia. Identifiers: MedGen C0002878, MONDO:0003664, HP:0001878.

Allele frequency attached by ClinVar (database versions not stated): 1000 Genomes Project 0.53634; 1000 Genomes Project 30x 0.57011; TOPMed 0.59353; gnomAD 0.63671 and 0.64359.

Submissions (4):

Illumina Laboratory Services, Illumina
Classification: Benign for Hereditary spherocytosis type 4. Last evaluated: 2018-01-12. Review status: criteria provided, single submitter. Criteria: ICSL Variant Classification Criteria 13 December 2019. Collection method: clinical testing. Allele origin: germline.
Comment: This variant was observed in the ICSL laboratory as part of a predisposition screen in an ostensibly healthy population. It had not been previously curated by ICSL or reported in the Human Gene Mutation Database (HGMD: prior to June 1st, 2018), and was therefore a candidate for classification through an automated scoring system. Utilizing variant allele frequency, disease prevalence and penetrance estimates, and inheritance mode, an automated score was calculated to assess if this variant is too frequent to cause the disease. Based on the score and internal cut-off values, a variant classified as benign is not then subjected to further curation. The score for this variant resulted in a classification of benign for this disease.

Illumina Laboratory Services, Illumina
Classification: Benign for Autosomal dominant distal renal tubular acidosis. Last evaluated: 2018-01-12. Review status: criteria provided, single submitter. Criteria: ICSL Variant Classification Criteria 13 December 2019. Collection method: clinical testing. Allele origin: germline.
Comment: the same text as in the submission from Illumina Laboratory Services, Illumina above.

Illumina Laboratory Services, Illumina
Classification: Benign for Hemolytic anemia. Last evaluated: 2018-01-12. Review status: criteria provided, single submitter. Criteria: ICSL Variant Classification Criteria 13 December 2019. Collection method: clinical testing. Allele origin: germline.
Comment: the same text as in the submission from Illumina Laboratory Services, Illumina above.

Breakthrough Genomics
Classification: Benign. Review status: criteria provided, single submitter. Criteria: ACMG Guidelines, 2015. Collection method: not provided. Allele origin: germline. Inheritance: Autosomal recessive inheritance. Affected: yes.